The following is an entry in ClinVar:

ClinVar aggregate classification (germline): Benign. Review status: criteria provided, single submitter (1 of 4 stars). 2 submissions from 2 submitters: Benign (1). 1 of the submissions does not count toward it. Last evaluated 2025-12-15.

Conditions:
ADAM17-related disorder. Also called: ADAM17-related condition.
Inflammatory skin and bowel disease, neonatal, 1. Identifiers: Orphanet 294023, MedGen C3280501, MONDO:0013693, OMIM 614328.

Submissions (2):

Labcorp Genetics (formerly Invitae), Labcorp
Classification: Benign for Inflammatory skin and bowel disease, neonatal, 1. Last evaluated: 2025-12-15. Review status: criteria provided, single submitter. Criteria: Invitae Variant Classification Sherloc (09022015). Collection method: clinical testing. Allele origin: germline.

PreventionGenetics, part of Exact Sciences
Classification: Likely benign for ADAM17-related condition. Last evaluated: 2019-03-22. Review status: no assertion criteria provided. Collection method: clinical testing. Allele origin: germline. Not counted in ClinVar's aggregate classification.
Comment: This variant is classified as likely benign based on ACMG/AMP sequence variant interpretation guidelines (Richards et al. 2015 PMID: 25741868, with internal and published modifications).

NM_003183.6(ADAM17):c.1915-9del

Genes: ADAM17 (ADAM metallopeptidase domain 17; minus strand), IAH1 (isoamyl acetate hydrolyzing esterase 1 (putative); plus strand). Cytogenetic location: 2p25.1.
Variant type: Deletion.
Coding change: c.1915-9del on transcript NM_003183.6 (MANE Select); 9 bases into the intron before coding-DNA position 1915, one base deleted (T; older notation c.1915-9delT).
Molecular consequence: intron variant.
Genome position (GRCh38, 1-based): chr2:9,493,834, A deleted on the plus strand (T on the coding strand, the reverse complement: ADAM17 is on the minus strand); the first of 6 consecutive A bases (chr2:9,493,834-9,493,839); deleting any one gives the same sequence. VCF-style (leftmost placement, unchanged base first): chr2-9493833-GA-G. GRCh37 (hg19) VCF-style: chr2-9633962-GA-G.
Other names: c.1255-9del (NM_001382777.1); c.1018-9del (NM_001382778.1); c.1915-9delT (NM_003183.5).
Identifiers: ClinVar variation 2978930 (VCV002978930.4), dbSNP rs781236050, ClinGen allele CA1523374.